The following is an entry in ClinVar:

NM_015057.5(MYCBP2):c.4549A>G (p.Met1517Val)

Gene: MYCBP2 (MYC binding protein 2; minus strand). Cytogenetic location: 13q22.3.
Variant type: single nucleotide variant.
Coding change: c.4549A>G on transcript NM_015057.5 (MANE Select); coding-DNA position 4549, A replaced by G.
Protein change: p.Met1517Val; replaces methionine 1517 with valine.
Molecular consequence: missense variant.
Genome position (GRCh38, 1-based): chr13:77,185,273, T>C on the plus strand (A>G on the coding strand, the complement: MYCBP2 is on the minus strand). VCF-style: chr13-77185273-T-C. GRCh37 (hg19) VCF-style: chr13-77759408-T-C.
Other names: short protein forms M1517V.
Identifiers: ClinVar variation 2581981 (VCV002581981.2), dbSNP rs1490199600, ClinGen allele CA388408231.

ClinVar aggregate classification (germline): Uncertain significance (1 of 4 stars; one submission).

Allele frequency attached by ClinVar (database versions not stated): TOPMed below 0.00001; gnomAD 0.00001.

Submission:

GeneDx
Classification: Uncertain significance. Last evaluated: 2024-09-25. Review status: criteria provided, single submitter. Criteria: GeneDx Variant Classification Process June 2021. Collection method: clinical testing. Allele origin: germline. Affected: yes.
Comment: Not observed at significant frequency in large population cohorts (gnomAD); In silico analysis indicates that this missense variant does not alter protein structure/function; Has not been previously published as pathogenic or benign to our knowledge